The following is an entry in ClinVar:

NM_001042681.2(RERE):c.4487-5G>T

Gene: RERE (arginine-glutamic acid dipeptide repeats; minus strand). Cytogenetic location: 1p36.23.
Variant type: single nucleotide variant.
Coding change: c.4487-5G>T on transcript NM_001042681.2 (MANE Select); 5 bases into the intron before coding-DNA position 4487, G replaced by T.
Molecular consequence: intron variant.
Genome position (GRCh38, 1-based): chr1:8,355,604, C>A on the plus strand (G>T on the coding strand, the complement: RERE is on the minus strand). VCF-style: chr1-8355604-C-A. GRCh37 (hg19) VCF-style: chr1-8415664-C-A.
Other names: c.4487-5G>T (NM_012102.4); c.2825-5G>T (NM_001042682.2).
Identifiers: ClinVar variation 1961234 (VCV001961234.5), dbSNP rs772940396, ClinGen allele CA570760.

ClinVar aggregate classification (germline): Uncertain significance (1 of 4 stars; one submission).

gnomAD v4.1: 5 of 1,565,852 alleles (0.00032%); highest among the groups gnomAD compares: Non-Finnish European, 0.00035%; no homozygotes.

Submission:

Labcorp Genetics (formerly Invitae), Labcorp
Classification: Uncertain significance. Last evaluated: 2022-07-13. Review status: criteria provided, single submitter. Criteria: Invitae Variant Classification Sherloc (09022015). Collection method: clinical testing. Allele origin: germline.
Comment: Algorithms developed to predict the effect of sequence changes on RNA splicing suggest that this variant may disrupt the consensus splice site. In summary, the available evidence is currently insufficient to determine the role of this variant in disease. Therefore, it has been classified as a Variant of Uncertain Significance. This variant has not been reported in the literature in individuals affected with RERE-related conditions. The frequency data for this variant in the population databases is considered unreliable, as metrics indicate poor data quality at this position in the gnomAD database. This sequence change falls in intron 22 of the RERE gene. It does not directly change the encoded amino acid sequence of the RERE protein.